The following is an entry in ClinVar:

ClinVar aggregate classification (germline): Uncertain significance (1 of 4 stars; one submission).

Conditions:
Familial thoracic aortic aneurysm and aortic dissection (TAAD). Also called: Thoracic aortic aneurysms and dissections. Identifiers: Orphanet 91387, MedGen C4707243, MONDO:0019625.

gnomAD v4.1: 4 of 1,614,048 alleles (0.00025%); highest among the groups gnomAD compares: South Asian, 0.0033%; no homozygotes.

Submission:

Ambry Genetics
Classification: Uncertain significance for Familial thoracic aortic aneurysm and aortic dissection. Last evaluated: 2026-04-12. Review status: criteria provided, single submitter. Criteria: Ambry Variant Classification Scheme 2023. Collection method: clinical testing. Allele origin: germline.
Comment: The p.G420E variant (also known as c.1259G>A), located in coding exon 10 of the FBN2 gene, results from a G to A substitution at nucleotide position 1259. The glycine at codon 420 is replaced by glutamic acid, an amino acid with similar properties. This amino acid position is conserved. In addition, this alteration is predicted to be deleterious by in silico analysis. Based on the available evidence, the clinical significance of this variant remains unclear.

NM_001999.4(FBN2):c.1259G>A (p.Gly420Glu)

Gene: FBN2 (fibrillin 2; minus strand). Cytogenetic location: 5q23.3.
Variant type: single nucleotide variant.
Coding change: c.1259G>A on transcript NM_001999.4 (MANE Select); coding-DNA position 1259, G replaced by A.
Protein change: p.Gly420Glu; replaces glycine 420 with glutamic acid.
Molecular consequence: missense variant.
Genome position (GRCh38, 1-based): chr5:128,393,341, C>T on the plus strand (G>A on the coding strand, the complement: FBN2 is on the minus strand). VCF-style: chr5-128393341-C-T. GRCh37 (hg19) VCF-style: chr5-127729034-C-T.
Other names: short protein forms G420E.
Identifiers: ClinVar variation 4871239 (VCV004871239.1).